The following is an entry in ClinVar:

NM_006005.3(WFS1):c.2555_2560dup (p.Gln853_Leu854insProGln)

Gene: WFS1 (wolframin ER transmembrane glycoprotein; plus strand). Cytogenetic location: 4p16.1.
Variant type: Duplication.
Coding change: c.2555_2560dup on transcript NM_006005.3 (MANE Select); coding-DNA positions 2555 to 2560, 6 bases duplicated (CCCAGC; older notation c.2555_2560dupCCCAGC).
Protein change: p.Gln853_Leu854insProGln.
Molecular consequence: inframe insertion.
Genome position (GRCh38, 1-based): chr4:6,302,350-6,302,355, CCCAGC duplicated. VCF-style (leftmost placement, unchanged base first): chr4-6302349-G-GCCCAGC. GRCh37 (hg19) VCF-style: chr4-6304076-G-GCCCAGC.
Other names: p.Gln853_Leu854insProGln; c.2555_2560dupCCCAGC (NM_006005.3); c.2555_2560dup, p.Gln853_Leu854insProGln (NM_001145853.1).
Identifiers: ClinVar variation 179778 (VCV000179778.11), dbSNP rs730880368, ClinGen allele CA185112.

ClinVar aggregate classification (germline): Conflicting classifications of pathogenicity. Review status: criteria provided, conflicting classifications (1 of 4 stars). 4 submissions from 4 submitters: Likely pathogenic (1); Uncertain significance (3). Last evaluated 2023-09-10.

Conditions:
Inborn genetic diseases. Identifiers: MedGen C0950123, MeSH D030342.
Wolfram syndrome 1 (WFS1). Identifiers: Orphanet 3463, MedGen C4551693, MONDO:0009101, OMIM 222300.

Allele frequency attached by ClinVar (database versions not stated): TOPMed below 0.00001; ExAC 0.00001; gnomAD exomes 0.00001.

Submissions (4):

Labcorp Genetics (formerly Invitae), Labcorp
Classification: Uncertain significance. Last evaluated: 2023-09-10. Review status: criteria provided, single submitter. Criteria: Invitae Variant Classification Sherloc (09022015). Collection method: clinical testing. Allele origin: germline.
Comment: This variant has not been reported in the literature in individuals affected with WFS1-related conditions. This variant is present in population databases (rs766668712, gnomAD 0.002%). This variant, c.2555_2560dup, results in the insertion of 2 amino acid(s) of the WFS1 protein (p.Gln853_Leu854insProGln), but otherwise preserves the integrity of the reading frame. ClinVar contains an entry for this variant (Variation ID: 179778). In summary, the available evidence is currently insufficient to determine the role of this variant in disease. Therefore, it has been classified as a Variant of Uncertain Significance.

Ambry Genetics
Classification: Uncertain significance for Inborn genetic diseases. Last evaluated: 2021-06-03. Review status: criteria provided, single submitter. Criteria: Ambry Variant Classification Scheme 2023. Collection method: clinical testing. Allele origin: germline.
Comment: The c.2555_2560dupCCCAGC (p.Q853_L854insPQ) alteration is located in exon 8 (coding exon 7) of the WFS1 gene. The alteration consists of an in-frame duplication of 6 nucleotides from position 2555 to 2560, resulting in the duplication of 2 residues. Based on insufficient or conflicting evidence, the clinical significance of this alteration remains unclear.

Laboratory for Molecular Medicine, Mass General Brigham Personalized Medicine
Classification: Uncertain significance. Last evaluated: 2014-07-24. Review status: criteria provided, single submitter. Criteria: LMM Criteria. Collection method: clinical testing. Allele origin: germline. Observed: 2 variant alleles.
Comment: Variant classified as Uncertain Significance - Favor Benign. The 2555_2560dup va riant in WFS1 has not been previously reported in individuals with hearing loss in any other families or in large population studies. This variant results in an insertion of two amino acids proline (Pro) and glutamine (Gln) between glutamin e (Gln) and leucine (Leu) at positions 853 and 854, but does not disrupt the rea ding frame of the protein. Therefore, the impact of this variant on the normal f unction of the protein cannot be predicted. In summary, the clinical significanc e of the 2555_2560dup variant is uncertain.

Clinical Genomics, Uppaluri K&H Personalized Medicine Clinic
Classification: Likely pathogenic for Wolfram syndrome 1. Review status: criteria provided, single submitter. Criteria: K & H Uppaluri Personalized Medicine Clinic Variant Classification & Assertion Criteria_Updated V.1. Collection method: research. Allele origin: unknown. Inheritance: Autosomal recessive inheritance.
Comment: Potent mutations in WFS1 gene are associated with Wolfram's syndrome, an autosomal recessive condition, which cause diabetes mellitus, diabetes insipidus, deafness and optic atrophy. However no sufficient evidence is found to ascertain the role of this particular variant rs730880368 in Wolfram's syndrome yet.

Literature cited by the submitters: PubMed 20738327 (cited by Clinical Genomics, Uppaluri K&H Personalized Medicine Clinic); PubMed 33879153 (cited by Clinical Genomics, Uppaluri K&H Personalized Medicine Clinic); PubMed 12955714 (cited by Clinical Genomics, Uppaluri K&H Personalized Medicine Clinic); PubMed 18060660 (cited by Clinical Genomics, Uppaluri K&H Personalized Medicine Clinic); PubMed 20301750 (cited by Clinical Genomics, Uppaluri K&H Personalized Medicine Clinic); PubMed 17603484 (cited by Clinical Genomics, Uppaluri K&H Personalized Medicine Clinic).